The following is an entry in ClinVar:

NM_004958.4(MTOR):c.5424C>G (p.Asn1808Lys)

Gene: MTOR (mechanistic target of rapamycin kinase; minus strand). Cytogenetic location: 1p36.22.
Variant type: single nucleotide variant.
Coding change: c.5424C>G on transcript NM_004958.4 (MANE Select); coding-DNA position 5424, C replaced by G.
Protein change: p.Asn1808Lys; replaces asparagine 1808 with lysine.
Molecular consequence: missense variant.
Genome position (GRCh38, 1-based): chr1:11,130,718, G>C on the plus strand (C>G on the coding strand, the complement: MTOR is on the minus strand). VCF-style: chr1-11130718-G-C. GRCh37 (hg19) VCF-style: chr1-11190775-G-C.
Other names: c.5424C>G, p.Asn1808Lys (NM_001386500.1); c.4176C>G, p.Asn1392Lys (NM_001386501.1); short protein forms N1392K, N1808K.
Identifiers: ClinVar variation 4536583 (VCV004536583.1).

ClinVar aggregate classification (germline): Uncertain significance (1 of 4 stars; one submission).

Submission:

GeneDx
Classification: Uncertain significance. Last evaluated: 2025-06-04. Review status: criteria provided, single submitter. Criteria: GeneDx Variant Classification Process June 2021. Collection method: clinical testing. Allele origin: germline. Affected: yes.
Comment: Not observed at significant frequency in large population cohorts (gnomAD); In silico analysis suggests that this missense variant does not alter protein structure/function; Has not been previously published as pathogenic or benign to our knowledge